The following is an entry in ClinVar:

ClinVar aggregate classification (germline): Uncertain significance (1 of 4 stars; one submission).

Allele frequency attached by ClinVar (database versions not stated): TOPMed below 0.00001.
gnomAD v4.1: 2 of 1,611,484 alleles (0.00012%); highest among the groups gnomAD compares: Non-Finnish European, 0.00017%; no homozygotes.

Submission:

Labcorp Genetics (formerly Invitae), Labcorp
Classification: Uncertain significance. Last evaluated: 2022-03-14. Review status: criteria provided, single submitter. Criteria: Invitae Variant Classification Sherloc (09022015). Collection method: clinical testing. Allele origin: germline.
Comment: This variant is not present in population databases (gnomAD no frequency). In summary, the available evidence is currently insufficient to determine the role of this variant in disease. Therefore, it has been classified as a Variant of Uncertain Significance. Algorithms developed to predict the effect of missense changes on protein structure and function (SIFT, PolyPhen-2, Align-GVGD) all suggest that this variant is likely to be disruptive. This variant has not been reported in the literature in individuals affected with MPDZ-related conditions. This sequence change replaces tyrosine, which is neutral and polar, with histidine, which is basic and polar, at codon 717 of the MPDZ protein (p.Tyr717His).

NM_001378778.1(MPDZ):c.2149T>C (p.Tyr717His)

Gene: MPDZ (multiple PDZ domain crumbs cell polarity complex component; minus strand). Cytogenetic location: 9p23.
Variant type: single nucleotide variant.
Coding change: c.2149T>C on transcript NM_001378778.1 (MANE Select); coding-DNA position 2149, T replaced by C.
Protein change: p.Tyr717His; replaces tyrosine 717 with histidine.
Molecular consequence: missense variant.
Genome position (GRCh38, 1-based): chr9:13,190,119, A>G on the plus strand (T>C on the coding strand, the complement: MPDZ is on the minus strand). VCF-style: chr9-13190119-A-G. GRCh37 (hg19) VCF-style: chr9-13190118-A-G.
Other names: c.2149T>C, p.Tyr717His (NM_001261406.2, NM_001261407.2, NM_001330637.2 and 14 more transcripts); short protein forms Y717H.
Identifiers: ClinVar variation 2158198 (VCV002158198.4), dbSNP rs145353057, ClinGen allele CA372938285.